The following is an entry in ClinVar:

ClinVar aggregate classification (germline): Uncertain significance (1 of 4 stars; one submission).

Conditions:
Dilated cardiomyopathy 1W (CMD1W). Identifiers: Orphanet 154, MedGen C1969639, MONDO:0012667, OMIM 611407.

Submission:

Labcorp Genetics (formerly Invitae), Labcorp
Classification: Uncertain significance for Dilated cardiomyopathy 1W. Last evaluated: 2023-01-16. Review status: criteria provided, single submitter. Criteria: Invitae Variant Classification Sherloc (09022015). Collection method: clinical testing. Allele origin: germline.
Comment: In summary, the available evidence is currently insufficient to determine the role of this variant in disease. Therefore, it has been classified as a Variant of Uncertain Significance. Algorithms developed to predict the effect of missense changes on protein structure and function are either unavailable or do not agree on the potential impact of this missense change (SIFT: "Not Available"; PolyPhen-2: "Probably Damaging"; Align-GVGD: "Not Available"). This sequence change replaces alanine, which is neutral and non-polar, with threonine, which is neutral and polar, at codon 902 of the VCL protein (p.Ala902Thr). This variant is not present in population databases (gnomAD no frequency). This variant has not been reported in the literature in individuals affected with VCL-related conditions.

NM_014000.3(VCL):c.2704G>A (p.Ala902Thr)

Gene: VCL (vinculin; plus strand). Cytogenetic location: 10q22.2.
Variant type: single nucleotide variant.
Coding change: c.2704G>A on transcript NM_014000.3 (MANE Select); coding-DNA position 2704, G replaced by A.
Protein change: p.Ala902Thr; replaces alanine 902 with threonine.
Molecular consequence: missense variant.
Genome position (GRCh38, 1-based): chr10:74,109,115, G>A. VCF-style: chr10-74109115-G-A. GRCh37 (hg19) VCF-style: chr10-75868873-G-A.
Other names: c.2704G>A, p.Ala902Thr (NM_003373.4); short protein forms A902T.
Identifiers: ClinVar variation 2829058 (VCV002829058.3), dbSNP rs2549234355, ClinGen allele CA377264409.
Genomic context (GRCh38, chr10:74,109,115, plus strand): 5'-GATGAAGAGTTCCCTGAGCAGAAGGCCGGGGAGGTGATTAACCAGCCAATGATGATGGCT[G>A]CCAGACAGCTCCATGATGAAGCTCGCAAATGGTCCAGCAAGGTAAGTAGTGAAGCTTTTC-3'
Protein context (NP_054706.1, residues 892-912): EVINQPMMMA[Ala902Thr]RQLHDEARKW